The following is an entry in ClinVar:

NM_006392.4(NOP56):c.480T>C (p.Asn160=)

Gene: NOP56 (NOP56 ribonucleoprotein; plus strand). Cytogenetic location: 20p13.
Variant type: single nucleotide variant.
Coding change: c.480T>C on transcript NM_006392.4 (MANE Select); coding-DNA position 480, T replaced by C.
Protein change: p.Asn160=; no amino-acid change (asparagine 160 retained).
Molecular consequence: synonymous variant. On other transcripts: non-coding transcript variant (2).
Genome position (GRCh38, 1-based): chr20:2,654,858, T>C. VCF-style: chr20-2654858-T-C. GRCh37 (hg19) VCF-style: chr20-2635504-T-C.
Identifiers: ClinVar variation 3037867 (VCV003037867.2), dbSNP rs34450120, ClinGen allele CA9734402.

ClinVar aggregate classification (germline): Benign (0 of 4 stars; one submission).

Conditions:
NOP56-related disorder. Also called: NOP56-related condition.

Allele frequency attached by ClinVar (database versions not stated): gnomAD exomes 0.00398; ExAC 0.00930; ESP Exome Variant Server 0.01338; gnomAD 0.01381; TOPMed 0.01437; 1000 Genomes Project 0.02236; 1000 Genomes Project 30x 0.02311.
gnomAD v4.1: 8,110 of 1,614,208 alleles (0.5%); highest among the groups gnomAD compares: African/African-American, 4.2%; 157 homozygotes.

Submission:

PreventionGenetics, part of Exact Sciences
Classification: Benign for NOP56-related condition. Last evaluated: 2019-04-08. Review status: no assertion criteria provided. Collection method: clinical testing. Allele origin: germline.
Comment: This variant is classified as benign based on ACMG/AMP sequence variant interpretation guidelines (Richards et al. 2015 PMID: 25741868, with internal and published modifications).